The following is an entry in ClinVar:

ClinVar aggregate classification (germline): Conflicting classifications of pathogenicity. Review status: criteria provided, conflicting classifications (1 of 4 stars). 2 submissions from 2 submitters: Uncertain significance (1); Likely benign (1). Last evaluated 2025-09-26.

Allele frequency attached by ClinVar (database versions not stated): ExAC 0.00001; gnomAD exomes 0.00001; TOPMed 0.00004; gnomAD 0.00005.

Submissions (2):

Labcorp Genetics (formerly Invitae), Labcorp
Classification: Uncertain significance. Last evaluated: 2025-09-26. Review status: criteria provided, single submitter. Criteria: Invitae Variant Classification Sherloc (09022015). Collection method: clinical testing. Allele origin: germline.
Comment: This sequence change affects a splice site in intron 1 of the CASQ1 gene. It is expected to disrupt RNA splicing. Variants that disrupt the donor or acceptor splice site typically lead to a loss of protein function (PMID: 16199547), however the current clinical and genetic evidence is not sufficient to establish whether loss-of-function variants in CASQ1 cause disease. This variant is present in population databases (rs752787714, gnomAD 0.0009%). This variant has not been reported in the literature in individuals affected with CASQ1-related conditions. ClinVar contains an entry for this variant (Variation ID: 2178760). Algorithms developed to predict the effect of sequence changes on RNA splicing suggest that this variant may disrupt the consensus splice site. In summary, the available evidence is currently insufficient to determine the role of this variant in disease. Therefore, it has been classified as a Variant of Uncertain Significance.

Blueprint Genetics
Classification: Likely benign. Last evaluated: 2024-05-23. Review status: criteria provided, single submitter. Criteria: ACMG Guidelines, 2015. Collection method: clinical testing. Allele origin: germline.

Literature cited by the submitters: PubMed 16199547 (cited by Labcorp Genetics (formerly Invitae), Labcorp).

NM_001231.5(CASQ1):c.280-3_280-2del

Gene: CASQ1 (calsequestrin 1; plus strand). Cytogenetic location: 1q23.2.
Variant type: Deletion.
Coding change: c.280-3_280-2del on transcript NM_001231.5 (MANE Select); 3 bases into the intron before coding-DNA position 280 through the canonical splice acceptor site of the intron before coding-DNA position 280, 2 bases deleted (CA; older notation c.280-3_280-2delCA).
Molecular consequence: splice acceptor variant.
Genome position (GRCh38, 1-based): chr1:160,192,799-160,192,800, CA deleted. VCF-style (leftmost placement, unchanged base first): chr1-160192798-CCA-C. GRCh37 (hg19) VCF-style: chr1-160162588-CCA-C.
Identifiers: ClinVar variation 2178760 (VCV002178760.5), dbSNP rs752787714, ClinGen allele CA1196132.
Genomic context (GRCh38, chr1:160,192,798, plus strand): 5'-AGAGGGAGAATAGGGGATAATAAAAATTCCAGGGGCTAATTTTAATCATAATCCTTCCCT[CCA>C]GTTAGCAGCCCAAGTCCTAGAAGACAAGGGTGTTGGCTTCGGGCTGGTAGACTCTGAGAA-3'